The following is an entry in ClinVar:

NM_000090.4(COL3A1):c.3217G>A (p.Ala1073Thr)

Gene: COL3A1 (collagen type III alpha 1 chain; plus strand). Cytogenetic location: 2q32.2.
Variant type: single nucleotide variant.
Coding change: c.3217G>A on transcript NM_000090.4 (MANE Select); coding-DNA position 3217, G replaced by A.
Protein change: p.Ala1073Thr; replaces alanine 1073 with threonine.
Molecular consequence: missense variant.
Genome position (GRCh38, 1-based): chr2:189,006,952, G>A. VCF-style: chr2-189006952-G-A. GRCh37 (hg19) VCF-style: chr2-189871678-G-A.
Other names: short protein forms A1073T.
Identifiers: ClinVar variation 519610 (VCV000519610.6), dbSNP rs1553509489, ClinGen allele CA349845255.

ClinVar aggregate classification (germline): Uncertain significance. Review status: criteria provided, multiple submitters, no conflicts (2 of 4 stars). 2 submissions from 2 submitters: Uncertain significance (2). Last evaluated 2025-06-23.

Conditions:
Familial thoracic aortic aneurysm and aortic dissection (TAAD). Also called: Thoracic aortic aneurysms and dissections. Identifiers: Orphanet 91387, MedGen C4707243, MONDO:0019625.

Allele frequency attached by ClinVar (database versions not stated): gnomAD exomes below 0.00001.
gnomAD v4.1: 2 of 1,613,326 alleles (0.00012%); highest among the groups gnomAD compares: Non-Finnish European, 0.00017%; no homozygotes.

Submissions (2):

Color Diagnostics, LLC DBA Color Health
Classification: Uncertain significance for Familial thoracic aortic aneurysm and aortic dissection. Last evaluated: 2025-06-23. Review status: criteria provided, single submitter. Criteria: ACMG Guidelines, 2015. Collection method: clinical testing. Allele origin: germline.
Comment: This missense variant replaces alanine with threonine at codon 1073 of the COL3A1 protein. Computational prediction suggests that this variant may not impact protein structure and function. To our knowledge, functional studies have not been reported for this variant. This variant has not been reported in individuals affected with COL3A1-related disorders in the literature. This variant has not been identified in the general population by the Genome Aggregation Database (gnomAD). The available evidence is insufficient to determine the role of this variant in disease conclusively. Therefore, this variant is classified as a Variant of Uncertain Significance.

Ambry Genetics
Classification: Uncertain significance for Familial thoracic aortic aneurysm and aortic dissection. Last evaluated: 2017-01-11. Review status: criteria provided, single submitter. Criteria: Ambry Variant Classification Scheme 2023. Collection method: clinical testing. Allele origin: germline.
Comment: The p.A1073T variant (also known as c.3217G>A), located in coding exon 44 of the COL3A1 gene, results from a G to A substitution at nucleotide position 3217. The alanine at codon 1073 is replaced by threonine, an amino acid with similar properties. This amino acid position is poorly conserved in available vertebrate species, and threonine is the reference amino acid in other vertebrate species. In addition, this alteration is predicted to be tolerated by in silico analysis. Since supporting evidence is limited at this time, the clinical significance of this alteration remains unclear.